The following is an entry in ClinVar:

NM_177438.3(DICER1):c.367G>T (p.Glu123Ter)

Gene: DICER1 (dicer 1, ribonuclease III; minus strand). Cytogenetic location: 14q32.13.
Variant type: single nucleotide variant.
Coding change: c.367G>T on transcript NM_177438.3 (MANE Select); coding-DNA position 367, G replaced by T.
Protein change: p.Glu123Ter; replaces glutamic acid 123 with a stop codon.
Molecular consequence: nonsense. On other transcripts: 5 prime UTR variant (2), non-coding transcript variant (5), intron variant (6).
Genome position (GRCh38, 1-based): chr14:95,131,580, C>A on the plus strand (G>T on the coding strand, the complement: DICER1 is on the minus strand). VCF-style: chr14-95131580-C-A. GRCh37 (hg19) VCF-style: chr14-95597917-C-A.
Other names: c.367G>T, p.Glu123Ter (NM_001195573.1, NM_001271282.3, NM_001291628.2 and 14 more transcripts); c.85G>T, p.Glu29Ter (NM_001395686.1); c.-92G>T (NM_001395691.1); c.-1202G>T (NM_001395697.1); c.33+935G>T (NM_001395690.1, NM_001395687.1, NM_001395689.1 and 3 more transcripts); short protein forms E123*, E29*.
Identifiers: ClinVar variation 4849982 (VCV004849982.1).
Genomic context (GRCh38, chr14:95,131,580, plus strand): 5'-TAAACTCTTGGTTCCATCTCTCTTTTGTCCAAGATGCATTTACTTCTAGGTTTGAGTATT[C>A]CCCAACCTTGAGATCTGAATGAGTTCTGACAGCTGACACTTGTTGAGCAACCTGGTTTGC-3'

ClinVar aggregate classification (germline): Likely pathogenic (1 of 4 stars; one submission).

Conditions:
Autosomal dominant DICER1-related disorders.

gnomAD v4.1: 1 of 1,613,228 alleles (0.000062%); highest among the groups gnomAD compares: Non-Finnish European, 0.000085%; no homozygotes.

Submission:

Variantyx, Inc.
Classification: Likely pathogenic for Autosomal dominant DICER1-related disorders. Last evaluated: 2026-01-11. Review status: criteria provided, single submitter. Criteria: Variantyx Assertion Criteria 2022. Collection method: clinical testing. Allele origin: germline. Inheritance: Autosomal dominant inheritance. Affected: yes.
Comment: This is a nonsense variant in the DICER1 gene (OMIM: 606241). Pathogenic variants in this gene have been associated with autosomal dominant DICER1-related disorders. This variant introduces a premature termination codon in exon 4 out of 27 and It is expected to result in loss of function, which is a known disease mechanism for DICER1 in this disorder (PMID: 24761742; 38084291) (PVS1). This variant has a 0.0001% maximum allele frequency in non-founder control populations (PM2). This variant has not been reported in individuals with DICER1-related disorders in the databases available for review. Based on the current evidence, this variant is classified as likely pathogenic for autosomal dominant DICER1-related disorders.

Literature cited by the submitters: PubMed 24761742; PubMed 38084291.